The following is an entry in ClinVar:

ClinVar aggregate classification (germline): Uncertain significance (1 of 4 stars; one submission).

Allele frequency attached by ClinVar (database versions not stated): gnomAD 0.00001; gnomAD exomes 0.00001; TOPMed 0.00001.
gnomAD v4.1: 8 of 1,207,834 alleles (0.00066%); highest among the groups gnomAD compares: South Asian, 0.0018%; no homozygotes.

Submission:

Labcorp Genetics (formerly Invitae), Labcorp
Classification: Uncertain significance. Last evaluated: 2021-08-30. Review status: criteria provided, single submitter. Criteria: Invitae Variant Classification Sherloc (09022015). Collection method: clinical testing. Allele origin: germline.
Comment: This sequence change replaces serine with leucine at codon 636 of the CHM protein (p.Ser636Leu). The serine residue is weakly conserved and there is a large physicochemical difference between serine and leucine. This variant is not present in population databases (ExAC no frequency). This variant has not been reported in the literature in individuals affected with CHM-related conditions. Algorithms developed to predict the effect of missense changes on protein structure and function (SIFT, PolyPhen-2, Align-GVGD) all suggest that this variant is likely to be tolerated. In summary, the available evidence is currently insufficient to determine the role of this variant in disease. Therefore, it has been classified as a Variant of Uncertain Significance.

NM_000390.4(CHM):c.1907C>T (p.Ser636Leu)

Gene: CHM (CHM Rab escort protein; minus strand). Cytogenetic location: Xq21.2.
Variant type: single nucleotide variant.
Coding change: c.1907C>T on transcript NM_000390.4 (MANE Select); coding-DNA position 1907, C replaced by T.
Protein change: p.Ser636Leu; replaces serine 636 with leucine.
Molecular consequence: missense variant.
Genome position (GRCh38, 1-based): chrX:85,864,685, G>A on the plus strand (C>T on the coding strand, the complement: CHM is on the minus strand). VCF-style: chrX-85864685-G-A. GRCh37 (hg19) VCF-style: chrX-85119690-G-A.
Other names: c.1463C>T, p.Ser488Leu (NM_001320959.1, NM_001362517.1, NM_001362518.2 and 1 more transcripts); short protein forms S488L, S636L.
Identifiers: ClinVar variation 1034748 (VCV001034748.6), dbSNP rs1181669285, ClinGen allele CA413784915.
Genomic context (GRCh38, chrX:85,864,685, plus strand): 5'-ATCCATTATTCAGAGGACTCCTCTAGGTTTCCAAGGTTTGTGCTTTCCTTGAAAGTCTCC[G>A]AGTTAGCCTCTGGTATGGCACTGGATTCTGAAGCCTCTGGCTGTAAACTGTCTCCATCAA-3'
Protein context (NP_000381.1, residues 626-646): SESSAIPEAN[Ser636Leu]ETFKESTNLG